The following is an entry in ClinVar:

NM_003476.5(CSRP3):c.377C>A (p.Ser126Ter)

Gene: CSRP3 (cysteine and glycine rich protein 3; minus strand). Cytogenetic location: 11p15.1.
Variant type: single nucleotide variant.
Coding change: c.377C>A on transcript NM_003476.5 (MANE Select); coding-DNA position 377, C replaced by A.
Protein change: p.Ser126Ter; replaces serine 126 with a stop codon.
Molecular consequence: nonsense. On other transcripts: missense variant (1).
Genome position (GRCh38, 1-based): chr11:19,186,253, G>T on the plus strand (C>A on the coding strand, the complement: CSRP3 is on the minus strand). VCF-style: chr11-19186253-G-T. GRCh37 (hg19) VCF-style: chr11-19207800-G-T.
Other names: c.377C>A, p.Ser126Ter (NM_001127656.1); c.208C>A, p.Gln70Lys (NM_001369404.1); short protein forms Q70K, S126*.
Identifiers: ClinVar variation 1734830 (VCV001734830.5), dbSNP rs1850523074, ClinGen allele CA379887902.
Genomic context (GRCh38, chr11:19,186,253, plus strand): 5'-CTGGCTCATACAGAAGGTCTTACCTTGCCACCTCCCATAACCTTCTCAGCAGCATAGACT[G>T]ACTTGCCACATCGAGGGCACTTCTCGGACTCTCCAAACTTCGCAGTGAATTTGGAAGGGT-3'

ClinVar aggregate classification (germline): Conflicting classifications of pathogenicity. Review status: criteria provided, conflicting classifications (1 of 4 stars). 2 submissions from 2 submitters: Pathogenic (1); Uncertain significance (1). Last evaluated 2026-01-11.

Conditions:
Hypertrophic cardiomyopathy 12. Identifiers: MedGen C2677491, MONDO:0012804, OMIM 612124.
Dilated cardiomyopathy 1M (CMD1M). Identifiers: Orphanet 154, MedGen C1843808, MONDO:0011840, OMIM 607482.
Cardiovascular phenotype. Identifiers: MedGen CN230736.

gnomAD v4.1: 1 of 1,614,202 alleles (0.000062%); highest among the groups gnomAD compares: Non-Finnish European, 0.000085%; no homozygotes.

Submissions (2):

Labcorp Genetics (formerly Invitae), Labcorp
Classification: Pathogenic for Hypertrophic cardiomyopathy 12; Dilated cardiomyopathy 1M. Last evaluated: 2026-01-11. Review status: criteria provided, single submitter. Criteria: Invitae Variant Classification Sherloc (09022015). Collection method: clinical testing. Allele origin: germline.
Comment: This sequence change creates a premature translational stop signal (p.Ser126*) in the CSRP3 gene. It is expected to result in an absent or disrupted protein product. Loss-of-function variants in CSRP3 are known to be pathogenic (PMID: 12642359, 14567970, 16352453, 20087448, 34558151). This variant is not present in population databases (gnomAD no frequency). This variant has not been reported in the literature in individuals affected with CSRP3-related conditions. ClinVar contains an entry for this variant (Variation ID: 1734830). Algorithms developed to predict the effect of sequence changes on RNA splicing suggest that this variant may disrupt the consensus splice site. For these reasons, this variant has been classified as Pathogenic.

Ambry Genetics
Classification: Uncertain significance for Cardiovascular phenotype. Last evaluated: 2019-03-30. Review status: criteria provided, single submitter. Criteria: Ambry Variant Classification Scheme 2023. Collection method: clinical testing. Allele origin: germline.
Comment: The p.S126* variant (also known as c.377C>A), located in coding exon 3 of the CSRP3 gene, results from a C to A substitution at nucleotide position 377. This changes the amino acid from a serine to a stop codon within coding exon 3. This alteration is expected to result in loss of function by premature protein truncation or nonsense-mediated mRNA decay. However, loss of function of CSRP3 has not been clearly established as a mechanism of disease. Since supporting evidence is limited at this time, the clinical significance of this alteration remains unclear.

Literature cited by the submitters: PubMed 12642359 (cited by Labcorp Genetics (formerly Invitae), Labcorp); PubMed 14567970 (cited by Labcorp Genetics (formerly Invitae), Labcorp); PubMed 16352453 (cited by Labcorp Genetics (formerly Invitae), Labcorp); PubMed 20087448 (cited by Labcorp Genetics (formerly Invitae), Labcorp); PubMed 34558151 (cited by Labcorp Genetics (formerly Invitae), Labcorp).